The following is an entry in ClinVar:

ClinVar aggregate classification (germline): Uncertain significance (1 of 4 stars; one submission).

Conditions:
Hereditary cancer-predisposing syndrome. Also called: Tumor predisposition; Hereditary Cancer Syndrome; Hereditary neoplastic syndrome; Neoplastic Syndromes, Hereditary. Identifiers: Orphanet 140162, MedGen C0027672, MeSH D009386, MONDO:0015356.

Submission:

Ambry Genetics
Classification: Uncertain significance for Hereditary cancer-predisposing syndrome. Last evaluated: 2025-10-09. Review status: criteria provided, single submitter. Criteria: Ambry Variant Classification Scheme 2023. Collection method: clinical testing. Allele origin: germline.
Comment: The p.D989N variant (also known as c.2965G>A), located in coding exon 15 of the APC gene, results from a G to A substitution at nucleotide position 2965. The aspartic acid at codon 989 is replaced by asparagine, an amino acid with highly similar properties. This amino acid position is conserved. In addition, in silico predictors for this gene do not accurately predict pathogenicity. Based on the available evidence, the clinical significance of this variant remains unclear.

NM_000038.6(APC):c.2965G>A (p.Asp989Asn)

Gene: APC (APC regulator of Wnt signaling pathway; plus strand). Cytogenetic location: 5q22.2.
Variant type: single nucleotide variant.
Coding change: c.2965G>A on transcript NM_000038.6 (MANE Select); coding-DNA position 2965, G replaced by A.
Protein change: p.Asp989Asn; replaces aspartic acid 989 with asparagine.
Molecular consequence: missense variant. On other transcripts: non-coding transcript variant (2).
Genome position (GRCh38, 1-based): chr5:112,838,559, G>A. VCF-style: chr5-112838559-G-A. GRCh37 (hg19) VCF-style: chr5-112174256-G-A.
Other names: c.2965G>A, p.Asp989Asn (NM_001127510.3, NM_001354895.2, NM_001407450.1); c.2911G>A, p.Asp971Asn (NM_001127511.3); c.3019G>A, p.Asp1007Asn (NM_001354896.2, NM_001407447.1, NM_001407448.1 and 1 more transcripts); c.2995G>A, p.Asp999Asn (NM_001354897.2); c.2890G>A, p.Asp964Asn (NM_001354898.2); c.2881G>A, p.Asp961Asn (NM_001354899.2); c.2842G>A, p.Asp948Asn (NM_001354900.2); c.2788G>A, p.Asp930Asn (NM_001354901.2, NM_001407453.1); and 11 more; short protein forms D706N, D971N, D1007N, D829N, D860N, D863N, D906N, D982N.
Identifiers: ClinVar variation 4553765 (VCV004553765.1).